The following is an entry in ClinVar:

ClinVar aggregate classification (germline): Uncertain significance (1 of 4 stars; one submission).

Submission:

GeneDx
Classification: Uncertain significance. Last evaluated: 2021-04-13. Review status: criteria provided, single submitter. Criteria: GeneDx Variant Classification Process June 2021. Collection method: clinical testing. Allele origin: germline. Affected: yes.
Comment: Not observed in large population cohorts (Lek et al., 2016); In silico analysis supports that this missense variant has a deleterious effect on protein structure/function; Has not been previously published as pathogenic or benign to our knowledge

NM_005051.3(QARS1):c.988T>A (p.Tyr330Asn)

Gene: QARS1 (glutaminyl-tRNA synthetase 1; minus strand). Cytogenetic location: 3p21.31.
Variant type: single nucleotide variant.
Coding change: c.988T>A on transcript NM_005051.3 (MANE Select); coding-DNA position 988, T replaced by A.
Protein change: p.Tyr330Asn; replaces tyrosine 330 with asparagine.
Molecular consequence: missense variant. On other transcripts: non-coding transcript variant (1).
Genome position (GRCh38, 1-based): chr3:49,100,447, A>T on the plus strand (T>A on the coding strand, the complement: QARS1 is on the minus strand). VCF-style: chr3-49100447-A-T. GRCh37 (hg19) VCF-style: chr3-49137880-A-T.
Other names: c.955T>A, p.Tyr319Asn (NM_001272073.2); short protein forms Y319N, Y330N.
Identifiers: ClinVar variation 1314440 (VCV001314440.2), dbSNP rs2107103622, ClinGen allele CA352711381.
Genomic context (GRCh38, chr3:49,100,447, plus strand): 5'-TGAGCTCCACAGCCCACGCATATAGCTGGTCAAAATAGTCAGACGCATATGTGACTTTGT[A>T]AGGTGTGTAGCCTGGGGCAAAATGAAACAAAGTATGAGCAGCCAGCCACAAACACCCAGT-3'
Protein context (NP_005042.1, residues 320-340): DMVAWLGYTP[Tyr330Asn]KVTYASDYFD